The following is an entry in ClinVar:

ClinVar aggregate classification (germline): Likely benign (1 of 4 stars; one submission).

Conditions:
RPE65-related disorder. Also called: RPE65-related condition; RPE65-related disorders. Identifiers: MedGen CN239301.

gnomAD v4.1: 3 of 1,609,256 alleles (0.00019%); highest among the groups gnomAD compares: South Asian, 0.0011%; no homozygotes.

Submission:

PreventionGenetics, part of Exact Sciences
Classification: Likely benign for RPE65-related condition. Last evaluated: 2026-04-29. Review status: criteria provided, single submitter. Criteria: ACMG Guidelines, 2015. Collection method: clinical testing. Allele origin: germline.
Comment: This variant is classified as likely benign based on ACMG/AMP sequence variant interpretation guidelines (Richards et al. 2015 PMID: 25741868, with internal and published modifications).

NM_000329.3(RPE65):c.246-19A>G

Gene: RPE65 (retinoid isomerohydrolase RPE65; minus strand). Cytogenetic location: 1p31.3.
Variant type: single nucleotide variant.
Coding change: c.246-19A>G on transcript NM_000329.3 (MANE Select); 19 bases into the intron before coding-DNA position 246, A replaced by G.
Molecular consequence: intron variant.
Genome position (GRCh38, 1-based): chr1:68,444,902, T>C on the plus strand (A>G on the coding strand, the complement: RPE65 is on the minus strand). VCF-style: chr1-68444902-T-C. GRCh37 (hg19) VCF-style: chr1-68910585-T-C.
Other names: c.-31-19A>G (NM_001406857.1, NM_001406856.1); c.246-230A>G (NM_001406853.1); c.246-19A>G (NM_001406859.1, NM_001406860.1).
Identifiers: ClinVar variation 4978137 (VCV004978137.1).
Genomic context (GRCh38, chr1:68,444,902, plus strand): 5'-TTCTCAGTCATTGCCCGTACGTAAGCATCAGTGCGGATGAACCTGAAGGACATTGAAACA[T>C]AGGGAAGAGTATAGACAGGAGCAATCCGTACAGCCCATGTGGAGCTTAGAATGGCCATTC-3'